The following is an entry in ClinVar:

ClinVar aggregate classification (germline): Conflicting classifications of pathogenicity. Review status: criteria provided, conflicting classifications (1 of 4 stars). 3 submissions from 3 submitters: Uncertain significance (2); Likely benign (1). Last evaluated 2025-01-01.

Conditions:
Intellectual developmental disorder, autosomal dominant 44, with microcephaly. Also called: TRIO-Related Intellectual Disability; Micrognathia-recurrent infections-behavioral abnormalities-mild intellectual disability syndrome. Identifiers: Orphanet 476126, MedGen C4310740, MONDO:0014892, OMIM 617061.

Allele frequency attached by ClinVar (database versions not stated): gnomAD 0.00001; TOPMed 0.00002; ExAC 0.00004.
gnomAD v4.1: 67 of 1,612,816 alleles (0.0042%); highest among the groups gnomAD compares: Non-Finnish European, 0.0048%; no homozygotes.

Submissions (3):

CeGaT Center for Human Genetics Tuebingen
Classification: Likely benign. Last evaluated: 2025-01-01. Review status: criteria provided, single submitter. Criteria: CeGaT Center For Human Genetics Tuebingen Variant Classification Criteria Version 2. Collection method: clinical testing. Allele origin: germline. Affected: yes. Observed: 1 variant allele.
Comment: TRIO: BS2

Genomic Medicine Center of Excellence, King Faisal Specialist Hospital and Research Centre
Classification: Uncertain significance for Intellectual developmental disorder, autosomal dominant 44, with microcephaly. Last evaluated: 2024-03-17. Review status: criteria provided, single submitter. Criteria: ACMG Guidelines, 2015. Collection method: research. Allele origin: germline.

Neuberg Centre For Genomic Medicine, NCGM
Classification: Uncertain significance for Intellectual developmental disorder, autosomal dominant 44, with microcephaly. Review status: criteria provided, single submitter. Criteria: ACMG Guidelines, 2015. Collection method: clinical testing. Allele origin: germline. Inheritance: Autosomal dominant inheritance. Affected: yes.
Comment: The missense c.5599G>Ap.Val1867Met variant in TRIO gene has not been reported previously as a pathogenic variant nor a benign variant, to our knowledge. The p.Val1867Met variant has been reported with allele frequency of 0.003% in gnomAD Exomes and is novel not in any individuals in 1000 Genomes. This variant has not been reported to the ClinVar database. The amino acid change p.Val1867Met in TRIO is predicted as conserved by GERP++ and PhyloP across 100 vertebrates. The amino acid Val at position 1867 is changed to a Met changing protein sequence and it might alter its composition and physico-chemical properties. For these reasons, this variant has been classified as a Variant of Uncertain Significance VUS.

NM_007118.4(TRIO):c.5599G>A (p.Val1867Met)

Gene: TRIO (trio Rho guanine nucleotide exchange factor; plus strand). Cytogenetic location: 5p15.2.
Variant type: single nucleotide variant.
Coding change: c.5599G>A on transcript NM_007118.4 (MANE Select); coding-DNA position 5599, G replaced by A.
Protein change: p.Val1867Met; replaces valine 1867 with methionine.
Molecular consequence: missense variant. On other transcripts: non-coding transcript variant (1).
Genome position (GRCh38, 1-based): chr5:14,462,857, G>A. VCF-style: chr5-14462857-G-A. GRCh37 (hg19) VCF-style: chr5-14462966-G-A.
Other names: short protein forms V1867M.
Identifiers: ClinVar variation 3064071 (VCV003064071.16), dbSNP rs774835487, ClinGen allele CA3206784.